The following is an entry in ClinVar:

ClinVar aggregate classification (germline): Uncertain significance. Review status: criteria provided, multiple submitters, no conflicts (2 of 4 stars). 3 submissions from 3 submitters: Uncertain significance (3). Last evaluated 2026-01-25.

Allele frequency attached by ClinVar (database versions not stated): ExAC 0.00001.

Submissions (3):

Labcorp Genetics (formerly Invitae), Labcorp
Classification: Uncertain significance. Last evaluated: 2026-01-25. Review status: criteria provided, single submitter. Criteria: Invitae Variant Classification Sherloc (09022015). Collection method: clinical testing. Allele origin: germline.
Comment: This sequence change replaces alanine, which is neutral and non-polar, with proline, which is neutral and non-polar, at codon 431 of the MYLK3 protein (p.Ala431Pro). This variant is present in population databases (rs775254563, gnomAD 0.003%). This variant has not been reported in the literature in individuals affected with MYLK3-related conditions. ClinVar contains an entry for this variant (Variation ID: 1917059). An algorithm developed to predict the effect of missense changes on protein structure and function outputs the following: PolyPhen-2: "Possibly Damaging". The proline amino acid residue is found in multiple mammalian species, which suggests that this missense change does not adversely affect protein function. In summary, the available evidence is currently insufficient to determine the role of this variant in disease. Therefore, it has been classified as a Variant of Uncertain Significance.

Ambry Genetics
Classification: Uncertain significance. Last evaluated: 2025-01-27. Review status: criteria provided, single submitter. Criteria: Ambry Variant Classification Scheme 2023. Collection method: clinical testing. Allele origin: germline.

Mayo Clinic Laboratories, Mayo Clinic
Classification: Uncertain significance. Last evaluated: 2025-01-19. Review status: criteria provided, single submitter. Criteria: ACMG Guidelines, 2015. Collection method: clinical testing. Allele origin: germline. Observed: 1 variant allele.
Comment: BP4

NM_182493.3(MYLK3):c.1291G>C (p.Ala431Pro)

Gene: MYLK3 (myosin light chain kinase 3; minus strand). Cytogenetic location: 16q11.2.
Variant type: single nucleotide variant.
Coding change: c.1291G>C on transcript NM_182493.3 (MANE Select); coding-DNA position 1291, G replaced by C.
Protein change: p.Ala431Pro; replaces alanine 431 with proline.
Molecular consequence: missense variant.
Genome position (GRCh38, 1-based): chr16:46,732,379, C>G on the plus strand (G>C on the coding strand, the complement: MYLK3 is on the minus strand). VCF-style: chr16-46732379-C-G. GRCh37 (hg19) VCF-style: chr16-46766291-C-G.
Other names: p.Ala431Pro; c.1291G>C (NM_182493.2); c.268G>C, p.Ala90Pro (NM_001308301.1); short protein forms A431P, A90P.
Identifiers: ClinVar variation 1917059 (VCV001917059.7), dbSNP rs775254563, ClinGen allele CA8038027.